The following is an entry in ClinVar:

NM_201384.3(PLEC):c.6239G>A (p.Arg2080His)

Gene: PLEC (plectin; minus strand). Cytogenetic location: 8q24.3.
Variant type: single nucleotide variant.
Coding change: c.6239G>A on transcript NM_201384.3 (MANE Select); coding-DNA position 6239, G replaced by A.
Protein change: p.Arg2080His; replaces arginine 2080 with histidine.
Molecular consequence: missense variant.
Genome position (GRCh38, 1-based): chr8:143,923,690, C>T on the plus strand (G>A on the coding strand, the complement: PLEC is on the minus strand). VCF-style: chr8-143923690-C-T. GRCh37 (hg19) VCF-style: chr8-144997858-C-T.
Other names: c.6320G>A, p.Arg2107His (NM_000445.5); c.6197G>A, p.Arg2066His (NM_201378.4); c.6173G>A, p.Arg2058His (NM_201379.3); c.6650G>A, p.Arg2217His (NM_201380.4); c.6143G>A, p.Arg2048His (NM_201381.3); c.6239G>A, p.Arg2080His (NM_201382.4); c.6251G>A, p.Arg2084His (NM_201383.3); c.6320G>A (NM_000445.3); short protein forms R2066H, R2084H, R2080H, R2048H, R2217H, R2058H, R2107H.
Identifiers: ClinVar variation 538969 (VCV000538969.11), dbSNP rs782288289, ClinGen allele CA4926074.
Genomic context (GRCh38, chr8:143,923,690, plus strand): 5'-GCCTGCACCCGGGCCTCCTCCGCCTCCTCAGCCGCCCGCCGGGCCGCCTCCGCCTCGCCG[C>T]GCAGCTGGTCCAGCACGCTCTGCTCCTGCTGCAGCGTCTGCTGTAGCTCCTGCTCCTTCT-3'
Protein context (NP_958786.1, residues 2070-2090): QQEQSVLDQL[Arg2080His]GEAEAARRAA

ClinVar aggregate classification (germline): Uncertain significance. Review status: criteria provided, multiple submitters, no conflicts (2 of 4 stars). 4 submissions from 4 submitters: Uncertain significance (4). Last evaluated 2025-11-21.

Conditions:
Inborn genetic diseases. Identifiers: MedGen C0950123, MeSH D030342.
PLEC-related disorder. Also called: PLEC-related disorders; PLEC-related condition.
Epidermolysis bullosa simplex, Ogna type (EBS5A). Also called: Pidermolysis bullosa simplex 5A, Ogna type; EPIDERMOLYSIS BULLOSA SIMPLEX 5A, OGNA TYPE. Identifiers: Orphanet 79401, MedGen C0432317, MONDO:0007555, OMIM 131950.
Epidermolysis bullosa simplex 5B, with muscular dystrophy (EBS5B). Also called: Epidermolysis bullosa simplex with muscular dystrophy; EPIDERMOLYSIS BULLOSA SIMPLEX AND LIMB-GIRDLE MUSCULAR DYSTROPHY. Identifiers: Orphanet 257, MedGen C2931072, MONDO:0009181, OMIM 226670.
Epidermolysis bullosa simplex with nail dystrophy (EBS5D). Identifiers: MedGen C4225309, MONDO:0014661, OMIM 616487.
Autosomal recessive limb-girdle muscular dystrophy type 2Q (LGMDR17). Also called: MUSCULAR DYSTROPHY, LIMB-GIRDLE, AUTOSOMAL RECESSIVE 17. Identifiers: Orphanet 254361, MedGen C3150989, MONDO:0013390, OMIM 613723.
Epidermolysis bullosa simplex 5C, with pyloric atresia (EBS5C). Also called: PLEC-Related Epidermolysis Bullosa with Pyloric Atresia; Epidermolysis bullosa simplex with pyloric atresia; PLEC1-Related Epidermolysis Bullosa with Pyloric Atresia. Identifiers: Orphanet 158684, MedGen C2677349, MONDO:0012807, OMIM 612138.

Allele frequency attached by ClinVar (database versions not stated): gnomAD exomes 0.00003 and 0.00012; gnomAD 0.00007 and 0.00008; TOPMed 0.00009; ExAC 0.00032.
gnomAD v4.1: 54 of 1,546,188 alleles (0.0035%); highest among the groups gnomAD compares: African/African-American, 0.023%; no homozygotes.

Submissions (4):

Labcorp Genetics (formerly Invitae), Labcorp
Classification: Uncertain significance for Autosomal recessive limb-girdle muscular dystrophy type 2Q; Epidermolysis bullosa simplex, Ogna type; Epidermolysis bullosa simplex with nail dystrophy; Epidermolysis bullosa simplex 5C, with pyloric atresia; Epidermolysis bullosa simplex 5B, with muscular dystrophy. Last evaluated: 2025-11-21. Review status: criteria provided, single submitter. Criteria: Invitae Variant Classification Sherloc (09022015). Collection method: clinical testing. Allele origin: germline.
Comment: This sequence change replaces arginine, which is basic and polar, with histidine, which is basic and polar, at codon 2107 of the PLEC protein (p.Arg2107His). This variant is present in population databases (rs782288289, gnomAD 0.05%). This variant has not been reported in the literature in individuals affected with PLEC-related conditions. ClinVar contains an entry for this variant (Variation ID: 538969). An algorithm developed to predict the effect of missense changes on protein structure and function (PolyPhen-2) suggests that this variant is likely to be tolerated. In summary, the available evidence is currently insufficient to determine the role of this variant in disease. Therefore, it has been classified as a Variant of Uncertain Significance.

PreventionGenetics, part of Exact Sciences
Classification: Uncertain significance for PLEC-related condition. Last evaluated: 2025-05-29. Review status: criteria provided, single submitter. Criteria: ACMG Guidelines, 2015. Collection method: clinical testing. Allele origin: germline.
Comment: The PLEC c.6320G>A variant is predicted to result in the amino acid substitution p.Arg2107His. To our knowledge, this variant has not been reported in the literature. This variant is reported in 0.051% of alleles in individuals of African descent in gnomAD. Although we suspect that this variant may be benign, at this time, the clinical significance of this variant is uncertain due to the absence of conclusive functional and genetic evidence.

Ambry Genetics
Classification: Uncertain significance for Inborn genetic diseases. Last evaluated: 2025-05-20. Review status: criteria provided, single submitter. Criteria: Ambry Variant Classification Scheme 2023. Collection method: clinical testing. Allele origin: germline.

Revvity Omics, Revvity
Classification: Uncertain significance. Last evaluated: 2024-04-22. Review status: criteria provided, single submitter. Criteria: ACMG Guidelines, 2015. Collection method: clinical testing. Allele origin: germline.